The following is an entry in ClinVar:

NM_020911.2(PLXNA4):c.43C>A (p.Leu15Ile)

Gene: PLXNA4 (plexin A4; minus strand). Cytogenetic location: 7q32.3.
Variant type: single nucleotide variant.
Coding change: c.43C>A on transcript NM_020911.2 (MANE Select); coding-DNA position 43, C replaced by A.
Protein change: p.Leu15Ile; replaces leucine 15 with isoleucine.
Molecular consequence: missense variant.
Genome position (GRCh38, 1-based): chr7:132,508,651, G>T on the plus strand (C>A on the coding strand, the complement: PLXNA4 is on the minus strand). VCF-style: chr7-132508651-G-T. GRCh37 (hg19) VCF-style: chr7-132193410-G-T.
Other names: c.43C>A, p.Leu15Ile (NM_001105543.2, NM_001393897.1, NM_181775.4); short protein forms L15I.
Identifiers: ClinVar variation 3352427 (VCV003352427.1).

ClinVar aggregate classification (germline): Uncertain significance (0 of 4 stars; one submission).

Conditions:
PLXNA4-related disorder. Also called: PLXNA4-related condition.

gnomAD v4.1: 62 of 1,581,734 alleles (0.0039%); highest among the groups gnomAD compares: Non-Finnish European, 0.0049%; no homozygotes.

Submission:

PreventionGenetics, part of Exact Sciences
Classification: Uncertain significance for PLXNA4-related condition. Last evaluated: 2024-09-19. Review status: no assertion criteria provided. Collection method: clinical testing. Allele origin: germline.
Comment: The PLXNA4 c.43C>A variant is predicted to result in the amino acid substitution p.Leu15Ile. To our knowledge, this variant has not been reported in the literature. This variant is reported in 0.0095% of alleles in individuals of European (Finnish) descent in gnomAD. At this time, the clinical significance of this variant is uncertain due to the absence of conclusive functional and genetic evidence.